The following is an entry in ClinVar:

ClinVar aggregate classification (germline): Uncertain significance (1 of 4 stars; one submission).

Submission:

Labcorp Genetics (formerly Invitae), Labcorp
Classification: Uncertain significance. Last evaluated: 2024-09-10. Review status: criteria provided, single submitter. Criteria: Invitae Variant Classification Sherloc (09022015). Collection method: clinical testing. Allele origin: germline.
Comment: This sequence change replaces leucine, which is neutral and non-polar, with proline, which is neutral and non-polar, at codon 796 of the DIAPH3 protein (p.Leu796Pro). This variant is not present in population databases (gnomAD no frequency). This variant has not been reported in the literature in individuals affected with DIAPH3-related conditions. An algorithm developed to predict the effect of missense changes on protein structure and function (PolyPhen-2) suggests that this variant is likely to be disruptive. In summary, the available evidence is currently insufficient to determine the role of this variant in disease. Therefore, it has been classified as a Variant of Uncertain Significance.

NM_001042517.2(DIAPH3):c.2387T>C (p.Leu796Pro)

Gene: DIAPH3 (diaphanous related formin 3; minus strand). Cytogenetic location: 13q21.2.
Variant type: single nucleotide variant.
Coding change: c.2387T>C on transcript NM_001042517.2 (MANE Select); coding-DNA position 2387, T replaced by C.
Protein change: p.Leu796Pro; replaces leucine 796 with proline.
Molecular consequence: missense variant.
Genome position (GRCh38, 1-based): chr13:59,879,449, A>G on the plus strand (T>C on the coding strand, the complement: DIAPH3 is on the minus strand). VCF-style: chr13-59879449-A-G. GRCh37 (hg19) VCF-style: chr13-60453583-A-G.
Other names: c.2354T>C, p.Leu785Pro (NM_001258366.2); c.2249T>C, p.Leu750Pro (NM_001258367.2); c.2177T>C, p.Leu726Pro (NM_001258368.2); c.2387T>C, p.Leu796Pro (NM_001258369.2); c.1598T>C, p.Leu533Pro (NM_001258370.2, NM_030932.4); short protein forms L533P, L785P, L796P, L726P, L750P.
Identifiers: ClinVar variation 3711750 (VCV003711750.2).